The following is an entry in ClinVar:

NM_000257.4(MYH7):c.2558A>T (p.Lys853Met)

Genes: MYH7 (myosin heavy chain 7; minus strand), LOC126861898 (BRD4-independent group 4 enhancer GRCh37_chr14:23893609-23894808; plus strand). Cytogenetic location: 14q11.2.
Variant type: single nucleotide variant.
Coding change: c.2558A>T on transcript NM_000257.4 (MANE Select); coding-DNA position 2558, A replaced by T.
Protein change: p.Lys853Met; replaces lysine 853 with methionine.
Molecular consequence: missense variant.
Genome position (GRCh38, 1-based): chr14:23,424,890, T>A on the plus strand (A>T on the coding strand, the complement: MYH7 is on the minus strand). VCF-style: chr14-23424890-T-A. GRCh37 (hg19) VCF-style: chr14-23894099-T-A.
Other names: c.2558A>T, p.Lys853Met (NM_001407004.1); short protein forms K853M.
Identifiers: ClinVar variation 4801939 (VCV004801939.1).

ClinVar aggregate classification (germline): Uncertain significance (1 of 4 stars; one submission).

Conditions:
Hypertrophic cardiomyopathy. Also called: HYPERTROPHIC MYOCARDIOPATHY. Identifiers: Orphanet 217569, MedGen C0007194, MeSH D002312, MONDO:0005045, HP:0001639.

Submission:

Labcorp Genetics (formerly Invitae), Labcorp
Classification: Uncertain significance for Hypertrophic cardiomyopathy. Last evaluated: 2025-11-18. Review status: criteria provided, single submitter. Criteria: Invitae Variant Classification Sherloc (09022015). Collection method: clinical testing. Allele origin: germline.
Comment: This sequence change replaces lysine, which is basic and polar, with methionine, which is neutral and non-polar, at codon 853 of the MYH7 protein (p.Lys853Met). This variant is not present in population databases (gnomAD no frequency). This variant has not been reported in the literature in individuals affected with MYH7-related conditions. Invitae Evidence Modeling of protein sequence and biophysical properties (such as structural, functional, and spatial information, amino acid conservation, physicochemical variation, residue mobility, and thermodynamic stability) indicates that this missense variant is expected to disrupt MYH7 protein function with a positive predictive value of 95%. In summary, the available evidence is currently insufficient to determine the role of this variant in disease. Therefore, it has been classified as a Variant of Uncertain Significance.